The following is an entry in ClinVar:

ClinVar aggregate classification (germline): Uncertain significance. Review status: criteria provided, multiple submitters, no conflicts (2 of 4 stars). 2 submissions from 2 submitters: Uncertain significance (2). Last evaluated 2022-12-08.

Conditions:
Inborn genetic diseases. Identifiers: MedGen C0950123, MeSH D030342.

Allele frequency attached by ClinVar (database versions not stated): gnomAD exomes below 0.00001.
gnomAD v4.1: 5 of 1,613,204 alleles (0.00031%); highest among the groups gnomAD compares: Non-Finnish European, 0.00042%; no homozygotes.

Submissions (2):

Blueprint Genetics
Classification: Uncertain significance. Last evaluated: 2022-12-08. Review status: criteria provided, single submitter. Criteria: ACMG Guidelines, 2015. Collection method: clinical testing. Allele origin: germline.

Ambry Genetics
Classification: Uncertain significance for Inborn genetic diseases. Last evaluated: 2017-04-18. Review status: criteria provided, single submitter. Criteria: Ambry Variant Classification Scheme 2023. Collection method: clinical testing. Allele origin: germline.
Comment: The p.D2150N variant (also known as c.6448G>A), located in coding exon 7 of the ANKRD11 gene, results from a G to A substitution at nucleotide position 6448. The aspartic acid at codon 2150 is replaced by asparagine, an amino acid with highly similar properties. This amino acid position is not well conserved in available vertebrate species. In addition, this alteration is predicted to be tolerated by in silico analysis. Since supporting evidence is limited at this time, the clinical significance of this alteration remains unclear.

NM_013275.6(ANKRD11):c.6448G>A (p.Asp2150Asn)

Gene: ANKRD11 (ankyrin repeat domain 11; minus strand). Cytogenetic location: 16q24.3.
Variant type: single nucleotide variant.
Coding change: c.6448G>A on transcript NM_013275.6 (MANE Select); coding-DNA position 6448, G replaced by A.
Protein change: p.Asp2150Asn; replaces aspartic acid 2150 with asparagine.
Molecular consequence: missense variant.
Genome position (GRCh38, 1-based): chr16:89,280,094, C>T on the plus strand (G>A on the coding strand, the complement: ANKRD11 is on the minus strand). VCF-style: chr16-89280094-C-T. GRCh37 (hg19) VCF-style: chr16-89346502-C-T.
Other names: c.6448G>A, p.Asp2150Asn (NM_001256182.2, NM_001256183.2); short protein forms D2150N.
Identifiers: ClinVar variation 588965 (VCV000588965.6), dbSNP rs1567557144, ClinGen allele CA397151136.
Genomic context (GRCh38, chr16:89,280,094, plus strand): 5'-CCCCTGGAGGCATCTCTTCTGGAGGAGCAAGACTTTCTTCCACGGGTTCCGCTTCACCAT[C>T]TGCGGCATCTTTAGTCTGCAGGGGAAGCTCCGGCAGGGAGAAGGGCCCCAGGTCCAGGTC-3'
Protein context (NP_037407.4, residues 2140-2160): ELPLQTKDAA[Asp2150Asn]GEAEPVEESL